The following is an entry in ClinVar:

ClinVar aggregate classification (germline): Likely benign (1 of 4 stars; one submission).

Conditions:
TALDO1-related disorder. Also called: TALDO1-related condition.

Submission:

PreventionGenetics, part of Exact Sciences
Classification: Likely benign for TALDO1-related condition. Last evaluated: 2025-07-21. Review status: criteria provided, single submitter. Criteria: ACMG Guidelines, 2015. Collection method: clinical testing. Allele origin: germline.
Comment: This variant is classified as likely benign based on ACMG/AMP sequence variant interpretation guidelines (Richards et al. 2015 PMID: 25741868, with internal and published modifications).

NM_006755.2(TALDO1):c.-10C>T

Gene: TALDO1 (transaldolase 1; plus strand). Cytogenetic location: 11p15.5.
Variant type: single nucleotide variant.
Coding change: c.-10C>T on transcript NM_006755.2 (MANE Select); 10 bases upstream of the start codon, C replaced by T.
Molecular consequence: 5 prime UTR variant.
Genome position (GRCh38, 1-based): chr11:747,472, C>T. VCF-style: chr11-747472-C-T. GRCh37 (hg19) VCF-style: chr11-747472-C-T.
Identifiers: ClinVar variation 4985473 (VCV004985473.1).